The following is an entry in ClinVar:

NM_021830.5(TWNK):c.1456A>G (p.Met486Val)

Gene: TWNK (twinkle mtDNA helicase; plus strand). Cytogenetic location: 10q24.31.
Variant type: single nucleotide variant.
Coding change: c.1456A>G on transcript NM_021830.5 (MANE Select); coding-DNA position 1456, A replaced by G.
Protein change: p.Met486Val; replaces methionine 486 with valine.
Molecular consequence: missense variant. On other transcripts: non-coding transcript variant (5).
Genome position (GRCh38, 1-based): chr10:100,989,856, A>G. VCF-style: chr10-100989856-A-G. GRCh37 (hg19) VCF-style: chr10-102749613-A-G.
Other names: c.1456A>G, p.Met486Val (NM_001163812.2); c.94A>G, p.Met32Val (NM_001163813.2, NM_001163814.2, NM_001368275.1); short protein forms M32V, M486V.
Identifiers: ClinVar variation 2097675 (VCV002097675.4), dbSNP rs759388862, ClinGen allele CA378210947.

ClinVar aggregate classification (germline): Uncertain significance (1 of 4 stars; one submission).

Submission:

Labcorp Genetics (formerly Invitae), Labcorp
Classification: Uncertain significance. Last evaluated: 2025-03-06. Review status: criteria provided, single submitter. Criteria: Invitae Variant Classification Sherloc (09022015). Collection method: clinical testing. Allele origin: germline.
Comment: This sequence change replaces methionine, which is neutral and non-polar, with valine, which is neutral and non-polar, at codon 486 of the TWNK protein (p.Met486Val). This variant is not present in population databases (gnomAD no frequency). This variant has not been reported in the literature in individuals affected with TWNK-related conditions. ClinVar contains an entry for this variant (Variation ID: 2097675). Invitae Evidence Modeling of protein sequence and biophysical properties (such as structural, functional, and spatial information, amino acid conservation, physicochemical variation, residue mobility, and thermodynamic stability) indicates that this missense variant is expected to disrupt TWNK protein function with a positive predictive value of 95%. In summary, the available evidence is currently insufficient to determine the role of this variant in disease. Therefore, it has been classified as a Variant of Uncertain Significance.